The following is an entry in ClinVar:

NM_004333.6(BRAF):c.1205C>T (p.Pro402Leu)

Gene: BRAF (B-Raf proto-oncogene, serine/threonine kinase; minus strand). Cytogenetic location: 7q34.
Variant type: single nucleotide variant.
Coding change: c.1205C>T on transcript NM_004333.6 (MANE Select); coding-DNA position 1205, C replaced by T.
Protein change: p.Pro402Leu; replaces proline 402 with leucine.
Molecular consequence: missense variant. On other transcripts: intron variant (2).
Genome position (GRCh38, 1-based): chr7:140,783,130, G>A on the plus strand (C>T on the coding strand, the complement: BRAF is on the minus strand). VCF-style: chr7-140783130-G-A. GRCh37 (hg19) VCF-style: chr7-140482930-G-A.
Other names: c.1205C>T, p.Pro402Leu (NM_001354609.2, NM_001378468.1, NM_001378474.1); c.1325C>T, p.Pro442Leu (NM_001374244.1, NM_001374258.1); c.1214C>T, p.Pro405Leu (NM_001378467.1); c.1103C>T, p.Pro368Leu (NM_001378470.1); c.1049C>T, p.Pro350Leu (NM_001378472.1, NM_001378473.1); c.941C>T, p.Pro314Leu (NM_001378475.1); c.1141-47C>T (NM_001378471.1); c.1178-39C>T (NM_001378469.1); short protein forms P350L, P314L, P442L, P402L, P368L, P405L.
Identifiers: ClinVar variation 1467592 (VCV001467592.8), dbSNP rs199927105, ClinGen allele CA369589513.

ClinVar aggregate classification (germline): Uncertain significance (1 of 4 stars; one submission).

Conditions:
RASopathy. Also called: rasopathies; Noonan spectrum disorder. Identifiers: Orphanet 536391, MedGen C5555857, MONDO:0021060.

gnomAD v4.1: 1 of 1,614,042 alleles (0.000062%); highest among the groups gnomAD compares: East Asian, 0.0022%; no homozygotes.

Submission:

Labcorp Genetics (formerly Invitae), Labcorp
Classification: Uncertain significance for RASopathy. Last evaluated: 2021-06-02. Review status: criteria provided, single submitter. Criteria: Invitae Variant Classification Sherloc (09022015). Collection method: clinical testing. Allele origin: germline.
Comment: This sequence change replaces proline with leucine at codon 402 of the BRAF protein (p.Pro402Leu). The proline residue is highly conserved and there is a moderate physicochemical difference between proline and leucine. This variant is not present in population databases (ExAC no frequency). This variant has not been reported in the literature in individuals with BRAF-related conditions. Algorithms developed to predict the effect of missense changes on protein structure and function are either unavailable or do not agree on the potential impact of this missense change (SIFT: "Tolerated"; PolyPhen-2: "Possibly Damaging"; Align-GVGD: "Class C0"). In summary, the available evidence is currently insufficient to determine the role of this variant in disease. Therefore, it has been classified as a Variant of Uncertain Significance.